The following is an entry in ClinVar:

NM_006987.4(RPH3AL):c.855C>T (p.Pro285=)

Gene: RPH3AL (rabphilin 3A like (without C2 domains)). Cytogenetic location: 17p13.3.
Variant type: single nucleotide variant.
Coding change: c.855C>T on transcript NM_006987.4 (MANE Select); coding-DNA position 855, C replaced by T.
Protein change: p.Pro285=; no amino-acid change (proline 285 retained).
Molecular consequence: synonymous variant.
Genome position (GRCh38, 1-based): chr17:215,675, G>A on the plus strand (C>T on the coding strand, the complement: RPH3AL is on the minus strand). VCF-style: chr17-215675-G-A. GRCh37 (hg19) VCF-style: chr17-65466-G-A.
Other names: c.855C>T, p.Pro285= (NM_001190411.2); c.768C>T, p.Pro256= (NM_001190412.2, NM_001190413.2).
Identifiers: ClinVar variation 2647153 (VCV002647153.24), dbSNP rs182695940, ClinGen allele CA286287351.

ClinVar aggregate classification (germline): Likely benign (1 of 4 stars; one submission).

Allele frequency attached by ClinVar (database versions not stated): ExAC 0.00189; 1000 Genomes Project 0.00200; gnomAD 0.00216; 1000 Genomes Project 30x 0.00250.
gnomAD v4.1: 594 of 1,276,586 alleles (0.047%); highest among the groups gnomAD compares: African/African-American, 0.58%; 1 homozygote.

Submission:

CeGaT Center for Human Genetics Tuebingen
Classification: Likely benign. Last evaluated: 2023-05-01. Review status: criteria provided, single submitter. Criteria: CeGaT Center For Human Genetics Tuebingen Variant Classification Criteria Version 2. Collection method: clinical testing. Allele origin: germline. Affected: yes. Observed: 1 variant allele.
Comment: RPH3AL: BP4, BP7